The following is an entry in ClinVar:

ClinVar aggregate classification (germline): Benign/Likely benign. Review status: criteria provided, multiple submitters, no conflicts (2 of 4 stars). 12 submissions from 12 submitters: Benign (3); Likely benign (8). 1 of the submissions does not count toward it. Last evaluated 2026-01-27.

Conditions:
TSC2-related disorder. Also called: TSC2-Related Disorders; TSC2-related condition.
Hereditary cancer-predisposing syndrome. Also called: Hereditary Cancer Syndrome; Neoplastic Syndromes, Hereditary; Hereditary neoplastic syndrome; Tumor predisposition. Identifiers: Orphanet 140162, MedGen C0027672, MeSH D009386, MONDO:0015356.
Tuberous sclerosis syndrome (TSC). Also called: Tuberous Sclerosis Complex; Tuberous sclerosis. Identifiers: Orphanet 805, MedGen C0041341, MONDO:0001734.
Tuberous sclerosis 2 (TSC2). Identifiers: Orphanet 805, MedGen C1860707, MONDO:0013199, OMIM 613254.

Allele frequency attached by ClinVar (database versions not stated): gnomAD exomes below 0.00001; gnomAD 0.00001; 1000 Genomes Project 0.00020; 1000 Genomes Project 30x 0.00031.
gnomAD v4.1: 7 of 1,614,146 alleles (0.00043%); highest among the groups gnomAD compares: East Asian, 0.0045%; no homozygotes.

Submissions (12):

Labcorp Genetics (formerly Invitae), Labcorp
Classification: Likely benign for Tuberous sclerosis 2. Last evaluated: 2026-01-27. Review status: criteria provided, single submitter. Criteria: Invitae Variant Classification Sherloc (09022015). Collection method: clinical testing. Allele origin: germline.

PreventionGenetics, part of Exact Sciences
Classification: Likely benign for TSC2-related condition. Last evaluated: 2026-01-05. Review status: criteria provided, single submitter. Criteria: ACMG Guidelines, 2015. Collection method: clinical testing. Allele origin: germline.
Comment: This variant is classified as likely benign based on ACMG/AMP sequence variant interpretation guidelines (Richards et al. 2015 PMID: 25741868, with internal and published modifications).

Myriad Genetics, Inc.
Classification: Benign for Tuberous sclerosis 2. Last evaluated: 2025-05-07. Review status: criteria provided, single submitter. Criteria: Myriad Autosomal Dominant, Autosomal Recessive and X-Linked Classification Criteria (2023). Collection method: clinical testing. Allele origin: unknown.
Comment: This variant is considered benign. This variant is a silent/synonymous amino acid change and it is not expected to impact splicing.

KCCC/NGS Laboratory, Kuwait Cancer Control Center
Classification: Benign for Tuberous sclerosis 2. Last evaluated: 2025-02-01. Review status: criteria provided, single submitter. Criteria: ACMG Guidelines, 2015. Collection method: clinical testing. Allele origin: germline. Affected: no.

All of Us Research Program, National Institutes of Health
Classification: Likely benign for Tuberous sclerosis syndrome. Last evaluated: 2023-11-20. Review status: criteria provided, single submitter. Criteria: ACMG Guidelines, 2015. Collection method: clinical testing. Allele origin: germline. Inheritance: Autosomal dominant inheritance. Observed: 3 variant alleles, 3 heterozygotes.
Comment: This study involves interpretation of variants in research participants for the purpose of population health screening. Participant phenotype was not available at the time of variant classification. Additional details can be found in publication PMID: 35346344, PMCID: PMC8962531

Color Diagnostics, LLC DBA Color Health
Classification: Likely benign for Tuberous sclerosis syndrome. Last evaluated: 2022-09-12. Review status: criteria provided, single submitter. Criteria: ACMG Guidelines, 2015. Collection method: clinical testing. Allele origin: germline.

Women's Health and Genetics/Laboratory Corporation of America, LabCorp
Classification: Likely benign. Last evaluated: 2022-02-19. Review status: criteria provided, single submitter. Criteria: LabCorp Variant Classification Summary - May 2015. Collection method: clinical testing. Allele origin: germline.

Genome-Nilou Lab
Classification: Benign for Tuberous sclerosis 2. Last evaluated: 2021-11-07. Review status: criteria provided, single submitter. Criteria: ACMG Guidelines, 2015. Collection method: clinical testing. Allele origin: germline. Affected: no.

GeneDx
Classification: Likely benign. Last evaluated: 2021-03-15. Review status: criteria provided, single submitter. Criteria: GeneDx Variant Classification Process June 2021. Collection method: clinical testing. Allele origin: germline. Affected: yes.
Comment: This variant is associated with the following publications: (PMID: 10533067)

Sema4
Classification: Likely benign for Hereditary cancer-predisposing syndrome. Last evaluated: 2020-09-10. Review status: criteria provided, single submitter. Criteria: Sema4 Curation Guidelines. Collection method: curation. Allele origin: germline.

Ambry Genetics
Classification: Likely benign for Hereditary cancer-predisposing syndrome. Last evaluated: 2016-08-23. Review status: criteria provided, single submitter. Criteria: Ambry Variant Classification Scheme 2023. Collection method: clinical testing. Allele origin: germline.

Tuberous sclerosis database (TSC2)
No classification provided. Condition: TSC. Review status: no classification provided. Criteria: Tuberous Sclerosis Database Assertion Criteria 2015. Collection method: curation. Allele origin: germline. Affected: yes. Not counted in ClinVar's aggregate classification.

NM_000548.5(TSC2):c.486C>T (p.Asp162=)

Gene: TSC2 (TSC complex subunit 2; plus strand). Cytogenetic location: 16p13.3.
Variant type: single nucleotide variant.
Coding change: c.486C>T on transcript NM_000548.5 (MANE Select); coding-DNA position 486, C replaced by T.
Protein change: p.Asp162=; no amino-acid change (aspartic acid 162 retained).
Molecular consequence: synonymous variant. On other transcripts: intron variant (1).
Genome position (GRCh38, 1-based): chr16:2,055,406, C>T. VCF-style: chr16-2055406-C-T. GRCh37 (hg19) VCF-style: chr16-2105407-C-T.
Other names: c.486C>T (NM_000548.4); c.486C>T, p.Asp162= (NM_001077183.3, NM_001114382.3, NM_001363528.2 and 3 more transcripts); c.375C>T, p.Asp125= (NM_001318827.2); c.339C>T, p.Asp113= (NM_001318829.2); c.519C>T, p.Asp173= (NM_001318832.2); c.-1-790C>T (NM_001318831.2).
Identifiers: ClinVar variation 49328 (VCV000049328.25), dbSNP rs45473598, ClinGen allele CA021156.